The following is an entry in ClinVar:

ClinVar aggregate classification (germline): Uncertain significance. Review status: criteria provided, multiple submitters, no conflicts (2 of 4 stars). 2 submissions from 2 submitters: Uncertain significance (2). Last evaluated 2025-02-07.

Conditions:
Hereditary pancreatitis (PCTT). Also called: Hereditary chronic pancreatitis; PRSS1-Related Hereditary Pancreatitis. Identifiers: Orphanet 676, MedGen C0238339, MONDO:0008185, OMIM 167800.

Allele frequency attached by ClinVar (database versions not stated): gnomAD exomes below 0.00001; gnomAD 0.00001.
gnomAD v4.1: 4 of 1,614,002 alleles (0.00025%); highest among the groups gnomAD compares: Admixed American, 0.0017%; no homozygotes.

Submissions (2):

Ambry Genetics
Classification: Uncertain significance for Hereditary pancreatitis. Last evaluated: 2025-02-07. Review status: criteria provided, single submitter. Criteria: Ambry Variant Classification Scheme 2023. Collection method: clinical testing. Allele origin: germline.
Comment: The p.W404C variant (also known as c.1212G>C), located in coding exon 10 of the CPA1 gene, results from a G to C substitution at nucleotide position 1212. The tryptophan at codon 404 is replaced by cysteine, an amino acid with highly dissimilar properties. This amino acid position is conserved. In addition, this alteration is predicted to be deleterious by in silico analysis. Since supporting evidence is limited at this time, the clinical significance of this alteration remains unclear.

Labcorp Genetics (formerly Invitae), Labcorp
Classification: Uncertain significance. Last evaluated: 2019-11-01. Review status: criteria provided, single submitter. Criteria: Invitae Variant Classification Sherloc (09022015). Collection method: clinical testing. Allele origin: germline.
Comment: This sequence change replaces tryptophan with cysteine at codon 404 of the CPA1 protein (p.Trp404Cys). The tryptophan residue is highly conserved and there is a large physicochemical difference between tryptophan and cysteine. This variant is not present in population databases (ExAC no frequency). This variant has not been reported in the literature in individuals with CPA1-related conditions. Algorithms developed to predict the effect of missense changes on protein structure and function (SIFT, PolyPhen-2, Align-GVGD) all suggest that this variant is likely to be disruptive, but these predictions have not been confirmed by published functional studies and their clinical significance is uncertain. In summary, the available evidence is currently insufficient to determine the role of this variant in disease. Therefore, it has been classified as a Variant of Uncertain Significance.

NM_001868.4(CPA1):c.1212G>C (p.Trp404Cys)

Gene: CPA1 (carboxypeptidase A1; plus strand). Cytogenetic location: 7q32.2.
Variant type: single nucleotide variant.
Coding change: c.1212G>C on transcript NM_001868.4 (MANE Select); coding-DNA position 1212, G replaced by C.
Protein change: p.Trp404Cys; replaces tryptophan 404 with cysteine.
Molecular consequence: missense variant.
Genome position (GRCh38, 1-based): chr7:130,387,963, G>C. VCF-style: chr7-130387963-G-C. GRCh37 (hg19) VCF-style: chr7-130027804-G-C.
Other names: short protein forms W404C.
Identifiers: ClinVar variation 956136 (VCV000956136.12), dbSNP rs1554412248, ClinGen allele CA369284531.